The following is an entry in ClinVar:

NM_000363.5(TNNI3):c.371_372+4del

Gene: TNNI3 (troponin I3, cardiac type; minus strand). Cytogenetic location: 19q13.42.
Variant type: Deletion.
Coding change: c.371_372+4del on transcript NM_000363.5 (MANE Select); coding-DNA position 371 through 4 bases into the intron after coding-DNA position 372, 6 bases deleted (AGGTGG; older notation c.371_372+4delAGGTGG).
Molecular consequence: splice donor variant.
Genome position (GRCh38, 1-based): chr19:55,154,737-55,154,742, CCACCT deleted on the plus strand (AGGTGG on the coding strand, the reverse complement: TNNI3 is on the minus strand); deleting any 6 consecutive bases within chr19:55,154,737-55,154,744 gives the same sequence; the c. name uses the placement nearest the transcript's 3' end. VCF-style (leftmost placement, unchanged base first): chr19-55154736-CCCACCT-C. GRCh37 (hg19) VCF-style: chr19-55666104-CCCACCT-C.
Identifiers: ClinVar variation 919175 (VCV000919175.3), dbSNP rs2085716080, ClinGen allele CA913187816.
Genomic context (GRCh38, chr19:55,154,736, plus strand): 5'-GCAGAGACCAAGTCCCAGCCATCTCACCCTACCCCGAAGGTACCCGAGCTGCCCATGCGT[CCCACCT>C]CCGTGATGTTCTTGGTGACTTTTGCCTCTATGTCGTATCTCTCTTCATCCACCTTGTCCA-3'

ClinVar aggregate classification (germline): Uncertain significance (1 of 4 stars; one submission).

Conditions:
Cardiomyopathy (CMYO). Also called: Cardiomyopathies. Identifiers: Orphanet 167848, MedGen C0878544, MONDO:0004994, HP:0001638. Inheritance: Various modes of inheritance.

Submission:

Color Diagnostics, LLC DBA Color Health
Classification: Uncertain significance for Cardiomyopathy. Last evaluated: 2019-01-28. Review status: criteria provided, single submitter. Criteria: ACMG Guidelines, 2015. Collection method: clinical testing. Allele origin: germline.
Comment: Variant of Uncertain Significance due to insufficient evidence: This variant results in a deletion of 6 nucleotides across the exon 6-intron 6 junction of the TNNI3 gene. This variant is predicted to abolish the intron 6 splice donor site and cause aberrant splicing. To our knowledge, functional assays have not been performed for this variant nor has this variant been reported in individuals affected with cardiovascular disorders in the literature. This variant is rare in the general population and has been identified in 0/277264 chromosomes by the Genome Aggregation Database (gnomAD). Available evidence is insufficient to determine the role of this variant in disease conclusively